The following is an entry in ClinVar:

ClinVar aggregate classification (germline): Uncertain significance. Review status: criteria provided, multiple submitters, no conflicts (2 of 4 stars). 2 submissions from 2 submitters: Uncertain significance (2). Last evaluated 2025-10-10.

Conditions:
Inborn genetic diseases. Identifiers: MedGen C0950123, MeSH D030342.
Autosomal dominant nonsyndromic hearing loss 1. Also called: DEAFNESS, AUTOSOMAL DOMINANT 1, WITH OR WITHOUT THROMBOCYTOPENIA; KONIGSMARK SYNDROME. Identifiers: Orphanet 90635, MedGen C1852282, MONDO:0007424, OMIM 124900.
Progressive microcephaly-seizures-cortical blindness-developmental delay syndrome. Also called: Seizures, cortical blindness, and microcephaly syndrome. Identifiers: Orphanet 477814, MedGen C5567650, MONDO:0014714, OMIM 616632.

Allele frequency attached by ClinVar (database versions not stated): gnomAD 0.00001; TOPMed 0.00002.
gnomAD v4.1: 1 of 1,614,082 alleles (0.000062%); highest among the groups gnomAD compares: Admixed American, 0.0017%; no homozygotes.

Submissions (2):

Labcorp Genetics (formerly Invitae), Labcorp
Classification: Uncertain significance for Progressive microcephaly-seizures-cortical blindness-developmental delay syndrome; Autosomal dominant nonsyndromic hearing loss 1. Last evaluated: 2025-10-10. Review status: criteria provided, single submitter. Criteria: Invitae Variant Classification Sherloc (09022015). Collection method: clinical testing. Allele origin: germline.
Comment: This sequence change replaces glycine, which is neutral and non-polar, with glutamic acid, which is acidic and polar, at codon 1226 of the DIAPH1 protein (p.Gly1226Glu). This variant is not present in population databases (gnomAD no frequency). This variant has not been reported in the literature in individuals affected with DIAPH1-related conditions. ClinVar contains an entry for this variant (Variation ID: 862223). An algorithm developed to predict the effect of missense changes on protein structure and function (PolyPhen-2) suggests that this variant is likely to be disruptive. In summary, the available evidence is currently insufficient to determine the role of this variant in disease. Therefore, it has been classified as a Variant of Uncertain Significance.

Ambry Genetics
Classification: Uncertain significance for Inborn genetic diseases. Last evaluated: 2024-03-29. Review status: criteria provided, single submitter. Criteria: Ambry Variant Classification Scheme 2023. Collection method: clinical testing. Allele origin: germline.

NM_005219.5(DIAPH1):c.3677G>A (p.Gly1226Glu)

Gene: DIAPH1 (diaphanous related formin 1; minus strand). Cytogenetic location: 5q31.3.
Variant type: single nucleotide variant.
Coding change: c.3677G>A on transcript NM_005219.5 (MANE Select); coding-DNA position 3677, G replaced by A.
Protein change: p.Gly1226Glu; replaces glycine 1226 with glutamic acid.
Molecular consequence: missense variant.
Genome position (GRCh38, 1-based): chr5:141,516,993, C>T on the plus strand (G>A on the coding strand, the complement: DIAPH1 is on the minus strand). VCF-style: chr5-141516993-C-T. GRCh37 (hg19) VCF-style: chr5-140896560-C-T.
Other names: c.3650G>A, p.Gly1217Glu (NM_001079812.3); c.3730G>A, p.Gly1244Ser (NM_001314007.2); short protein forms G1244S, G1217E, G1226E.
Identifiers: ClinVar variation 862223 (VCV000862223.11), dbSNP rs2099885784, ClinGen allele CA361572787.